The following is an entry in ClinVar:

NM_000384.3(APOB):c.2078A>G (p.Glu693Gly)

Gene: APOB (apolipoprotein B; minus strand). Cytogenetic location: 2p24.1.
Variant type: single nucleotide variant.
Coding change: c.2078A>G on transcript NM_000384.3 (MANE Select); coding-DNA position 2078, A replaced by G.
Protein change: p.Glu693Gly; replaces glutamic acid 693 with glycine.
Molecular consequence: missense variant.
Genome position (GRCh38, 1-based): chr2:21,026,954, T>C on the plus strand (A>G on the coding strand, the complement: APOB is on the minus strand). VCF-style: chr2-21026954-T-C. GRCh37 (hg19) VCF-style: chr2-21249826-T-C.
Other names: short protein forms E693G.
Identifiers: ClinVar variation 1785487 (VCV001785487.7), dbSNP rs761458367, ClinGen allele CA43522867.

ClinVar aggregate classification (germline): Uncertain significance. Review status: criteria provided, multiple submitters, no conflicts (2 of 4 stars). 2 submissions from 2 submitters: Uncertain significance (2). Last evaluated 2023-07-17.

Conditions:
Cardiovascular phenotype. Identifiers: MedGen CN230736.
Familial hypobetalipoproteinemia 1. Also called: Hypobetalipoproteinemia, normotriglyceridemic; Acanthocytosis with hypobetalipoproteinemia; APOB-Related Familial Hypobetalipoproteinemia. Identifiers: MedGen C4551990, MONDO:0014252, OMIM 615558.
Hypercholesterolemia, autosomal dominant, type B (FHCL2). Also called: Familial Hypercholesterolemia Type B; APOLIPOPROTEIN B-100, FAMILIAL DEFECTIVE; APOLIPOPROTEIN B-100, FAMILIAL LIGAND-DEFECTIVE; HYPERCHOLESTEROLEMIA, FAMILIAL, DUE TO LIGAND-DEFECTIVE APOLIPOPROTEIN B; Familial hypercholesterolemia 2; APOB-Related Familial Hypercholesterolemia, Autosomal Dominant. Identifiers: MedGen C1704417, MONDO:0007751, OMIM 144010.

Allele frequency attached by ClinVar (database versions not stated): gnomAD exomes 0.00001; gnomAD 0.00001.
gnomAD v4.1: 13 of 1,613,994 alleles (0.00081%); highest among the groups gnomAD compares: Non-Finnish European, 0.0011%; no homozygotes.

Submissions (2):

Labcorp Genetics (formerly Invitae), Labcorp
Classification: Uncertain significance for Familial hypobetalipoproteinemia 1; Hypercholesterolemia, autosomal dominant, type B. Last evaluated: 2023-07-17. Review status: criteria provided, single submitter. Criteria: Invitae Variant Classification Sherloc (09022015). Collection method: clinical testing. Allele origin: germline.
Comment: In summary, the available evidence is currently insufficient to determine the role of this variant in disease. Therefore, it has been classified as a Variant of Uncertain Significance. Advanced modeling of protein sequence and biophysical properties (such as structural, functional, and spatial information, amino acid conservation, physicochemical variation, residue mobility, and thermodynamic stability) performed at Invitae indicates that this missense variant is not expected to disrupt APOB protein function. ClinVar contains an entry for this variant (Variation ID: 1785487). This variant has not been reported in the literature in individuals affected with APOB-related conditions. This variant is not present in population databases (gnomAD no frequency). This sequence change replaces glutamic acid, which is acidic and polar, with glycine, which is neutral and non-polar, at codon 693 of the APOB protein (p.Glu693Gly).

Ambry Genetics
Classification: Uncertain significance for Cardiovascular phenotype. Last evaluated: 2021-07-22. Review status: criteria provided, single submitter. Criteria: Ambry Variant Classification Scheme 2023. Collection method: clinical testing. Allele origin: germline.
Comment: The p.E693G variant (also known as c.2078A>G), located in coding exon 15 of the APOB gene, results from an A to G substitution at nucleotide position 2078. The glutamic acid at codon 693 is replaced by glycine, an amino acid with similar properties. This amino acid position is conserved. In addition, this alteration is predicted to be tolerated by in silico analysis. Since supporting evidence is limited at this time, the clinical significance of this alteration remains unclear.